The following is an entry in ClinVar:

ClinVar aggregate classification (germline): Uncertain significance (1 of 4 stars; one submission).

gnomAD v4.1: 1 of 1,614,002 alleles (0.000062%); highest among the groups gnomAD compares: East Asian, 0.0022%; no homozygotes.

Submission:

Women's Health and Genetics/Laboratory Corporation of America, LabCorp
Classification: Uncertain significance. Last evaluated: 2024-09-03. Review status: criteria provided, single submitter. Criteria: LabCorp Variant Classification Summary - May 2015. Collection method: clinical testing. Allele origin: germline.
Comment: Variant summary: SON c.4438T>G (p.Ser1480Ala) results in a conservative amino acid change in the encoded protein sequence. Five of five in-silico tools predict a benign effect of the variant on protein function. The variant was absent in 251206 control chromosomes. The available data on variant occurrences in the general population are insufficient to allow any conclusion about variant significance. To our knowledge, no occurrence of c.4438T>G in individuals affected with ZTTK Syndrome and no experimental evidence demonstrating its impact on protein function have been reported. No submitters have cited clinical-significance assessments for this variant to ClinVar. Based on the evidence outlined above, the variant was classified as uncertain significance.

NM_138927.4(SON):c.4438T>G (p.Ser1480Ala)

Gene: SON (SON DNA and RNA binding protein; plus strand). Cytogenetic location: 21q22.11.
Variant type: single nucleotide variant.
Coding change: c.4438T>G on transcript NM_138927.4 (MANE Select); coding-DNA position 4438, T replaced by G.
Protein change: p.Ser1480Ala; replaces serine 1480 with alanine.
Molecular consequence: missense variant. On other transcripts: non-coding transcript variant (1), intron variant (1).
Genome position (GRCh38, 1-based): chr21:33,553,669, T>G. VCF-style: chr21-33553669-T-G. GRCh37 (hg19) VCF-style: chr21-34925975-T-G.
Other names: c.4438T>G, p.Ser1480Ala (NM_001291411.2, NM_032195.3); c.245-3487T>G (NM_001291412.3); short protein forms S1480A.
Identifiers: ClinVar variation 3375099 (VCV003375099.1).
Genomic context (GRCh38, chr21:33,553,669, plus strand): 5'-GTAATACCAACTGAGGTGGCTATAGAGTCCACACCAATGATACTGGAATCTAGTATCATG[T>G]CATCACATGTTATGAAAGGAATTAATCTATCCTCTGGTGATCAAAATCTTGCTCCAGAGA-3'
Protein context (NP_620305.3, residues 1470-1490): TPMILESSIM[Ser1480Ala]SHVMKGINLS